The following is an entry in ClinVar:

ClinVar aggregate classification (germline): Uncertain significance (1 of 4 stars; one submission).

Conditions:
Inborn genetic diseases. Identifiers: MedGen C0950123, MeSH D030342.

Submission:

Ambry Genetics
Classification: Uncertain significance for Inborn genetic diseases. Last evaluated: 2025-08-04. Review status: criteria provided, single submitter. Criteria: Ambry Variant Classification Scheme 2023. Collection method: clinical testing. Allele origin: germline.
Comment: The p.E961D variant (also known as c.2883G>T), located in coding exon 30 of the FANCA gene, results from a G to T substitution at nucleotide position 2883. The glutamic acid at codon 961 is replaced by aspartic acid, an amino acid with highly similar properties. This amino acid position is conserved. In addition, this alteration is predicted to be tolerated by in silico analysis. Based on the available evidence, the clinical significance of this variant remains unclear.

NM_000135.4(FANCA):c.2883G>T (p.Glu961Asp)

Gene: FANCA (FA complementation group A; minus strand). Cytogenetic location: 16q24.3.
Variant type: single nucleotide variant.
Coding change: c.2883G>T on transcript NM_000135.4 (MANE Select); coding-DNA position 2883, G replaced by T.
Protein change: p.Glu961Asp; replaces glutamic acid 961 with aspartic acid.
Molecular consequence: missense variant.
Genome position (GRCh38, 1-based): chr16:89,758,675, C>A on the plus strand (G>T on the coding strand, the complement: FANCA is on the minus strand). VCF-style: chr16-89758675-C-A. GRCh37 (hg19) VCF-style: chr16-89825083-C-A.
Other names: c.2883G>T, p.Glu961Asp (NM_001286167.3); short protein forms E961D.
Identifiers: ClinVar variation 4254263 (VCV004254263.1).